The following is an entry in ClinVar:

ClinVar aggregate classification (germline): Uncertain significance (1 of 4 stars; one submission).

Conditions:
Ichthyosis vulgaris. Also called: ICHTHYOSIS SIMPLEX; Dominant ichthyosis vulgaris. Identifiers: MedGen C0079584, MONDO:0024304, OMIM 146700.
Dermatitis, atopic, 2. Identifiers: MedGen C1853965, MONDO:0011596, OMIM 605803.

Submission:

Juno Genomics, Hangzhou Juno Genomics, Inc
Classification: Uncertain significance for Dermatitis, atopic, 2; Ichthyosis vulgaris. Review status: criteria provided, single submitter. Criteria: ACMG Guidelines, 2015. Collection method: clinical testing. Allele origin: germline.
Comment: Absent from controls (or at extremely low frequency if recessive) in Genome Aggregation Database.;Null variant in a gene where loss of function (LOF) is a known mechanism of disease.

NM_002016.2(FLG):c.1958C>A (p.Ser653Ter)

Genes: CCDST (cervical cancer associated DHX9 suppressive transcript; plus strand), FLG (filaggrin; minus strand). Cytogenetic location: 1q21.3.
Variant type: single nucleotide variant.
Coding change: c.1958C>A on transcript NM_002016.2 (MANE Select); coding-DNA position 1958, C replaced by A.
Protein change: p.Ser653Ter; replaces serine 653 with a stop codon.
Molecular consequence: nonsense.
Genome position (GRCh38, 1-based): chr1:152,312,928, G>T on the plus strand (C>A on the coding strand, the complement: FLG is on the minus strand). VCF-style: chr1-152312928-G-T. GRCh37 (hg19) VCF-style: chr1-152285404-G-T.
Other names: short protein forms S653*.
Identifiers: ClinVar variation 5007617 (VCV005007617.2).